The following is an entry in ClinVar:

NM_001277115.2(DNAH11):c.2542G>T (p.Val848Leu)

Gene: DNAH11 (dynein axonemal heavy chain 11; plus strand). Cytogenetic location: 7p15.3.
Variant type: single nucleotide variant.
Coding change: c.2542G>T on transcript NM_001277115.2 (MANE Select); coding-DNA position 2542, G replaced by T.
Protein change: p.Val848Leu; replaces valine 848 with leucine.
Molecular consequence: missense variant.
Genome position (GRCh38, 1-based): chr7:21,591,452, G>T. VCF-style: chr7-21591452-G-T. GRCh37 (hg19) VCF-style: chr7-21631070-G-T.
Other names: c.2542G>T, p.Val848Leu (NM_003777.3); short protein forms V848L.
Identifiers: ClinVar variation 1966197 (VCV001966197.5), dbSNP rs80328282, ClinGen allele CA366942928.

ClinVar aggregate classification (germline): Uncertain significance (1 of 4 stars; one submission).

Conditions:
Primary ciliary dyskinesia. Also called: Ciliary dyskinesia. Identifiers: Orphanet 244, MedGen C0008780, MONDO:0016575, HP:0012265.

gnomAD v4.1: 1 of 1,613,940 alleles (0.000062%); highest among the groups gnomAD compares: Non-Finnish European, 0.000085%; no homozygotes.

Submission:

Labcorp Genetics (formerly Invitae), Labcorp
Classification: Uncertain significance for Primary ciliary dyskinesia. Last evaluated: 2022-08-05. Review status: criteria provided, single submitter. Criteria: Invitae Variant Classification Sherloc (09022015). Collection method: clinical testing. Allele origin: germline.
Comment: In summary, the available evidence is currently insufficient to determine the role of this variant in disease. Therefore, it has been classified as a Variant of Uncertain Significance. Advanced modeling of protein sequence and biophysical properties (such as structural, functional, and spatial information, amino acid conservation, physicochemical variation, residue mobility, and thermodynamic stability) performed at Invitae indicates that this missense variant is not expected to disrupt DNAH11 protein function. This variant has not been reported in the literature in individuals affected with DNAH11-related conditions. This variant is not present in population databases (gnomAD no frequency). This sequence change replaces valine, which is neutral and non-polar, with leucine, which is neutral and non-polar, at codon 848 of the DNAH11 protein (p.Val848Leu).